The following is an entry in ClinVar:

ClinVar aggregate classification (germline): Uncertain significance (1 of 4 stars; one submission).

Conditions:
Holoprosencephaly 3 (HPE3). Identifiers: Orphanet 2162, MedGen C1840529, MONDO:0007733, OMIM 142945.

Allele frequency attached by ClinVar (database versions not stated): TOPMed 0.00001.

Submission:

Labcorp Genetics (formerly Invitae), Labcorp
Classification: Uncertain significance for Holoprosencephaly 3. Last evaluated: 2022-08-20. Review status: criteria provided, single submitter. Criteria: Invitae Variant Classification Sherloc (09022015). Collection method: clinical testing. Allele origin: germline.
Comment: This variant has not been reported in the literature in individuals affected with SHH-related conditions. This variant is not present in population databases (gnomAD no frequency). This variant occurs in a non-coding region of the SHH gene. It does not change the encoded amino acid sequence of the SHH protein. In summary, the available evidence is currently insufficient to determine the role of this variant in disease. Therefore, it has been classified as a Variant of Uncertain Significance. Experimental studies and prediction algorithms are not available or were not evaluated, and the effect of this variant on mRNA splicing is currently unknown.

NC_000007.14:g.156779204del

Genes: LMBR1 (limb development membrane protein 1; minus strand), SHH (sonic hedgehog signaling molecule; minus strand). Cytogenetic location: 7q36.3.
Variant type: Deletion.
Molecular consequence: intron variant (on NM_022458.4).
Genome position: GRCh38 VCF-style: chr7-156779203-AT-A. GRCh37 (hg19) VCF-style: chr7-156571897-AT-A.
Other names: c.361-15409del (NM_001363412.2); c.145-15409del (NM_001350954.2); c.424-15409del (NM_001363410.2, NM_022458.4, NM_001363409.2 and 1 more transcripts); c.-34+451del (NM_001350958.2, NM_001350956.2, NM_001350955.2 and 1 more transcripts); c.55-15409del (NM_001350957.2, NM_001363411.2).
Identifiers: ClinVar variation 2869175 (VCV002869175.3), dbSNP rs112149877, ClinGen allele CA169822105.
Genomic context (GRCh38, chr7:156,779,203, plus strand): 5'-TCACCTAGTTTTGAATGCTTAGATTATGTCATATATCACCAGGATTTCATGAACTTCACA[AT>A]ATTTTTATTTCCCAGTATGAACACTTATCCTGCCATCCCCCACAAAAAAACCCGTTAAGT-3'